The following is an entry in ClinVar:

NM_014112.5(TRPS1):c.422C>A (p.Pro141Gln)

Gene: TRPS1 (transcriptional repressor GATA binding 1; minus strand). Cytogenetic location: 8q23.3.
Variant type: single nucleotide variant.
Coding change: c.422C>A on transcript NM_014112.5 (MANE Select); coding-DNA position 422, C replaced by A.
Protein change: p.Pro141Gln; replaces proline 141 with glutamine.
Molecular consequence: missense variant.
Genome position (GRCh38, 1-based): chr8:115,619,676, G>T on the plus strand (C>A on the coding strand, the complement: TRPS1 is on the minus strand). VCF-style: chr8-115619676-G-T. GRCh37 (hg19) VCF-style: chr8-116631903-G-T.
Other names: c.395C>A, p.Pro132Gln (NM_001282902.3); c.401C>A, p.Pro134Gln (NM_001282903.3); c.383C>A, p.Pro128Gln (NM_001330599.2); short protein forms P128Q, P141Q, P134Q, P132Q.
Identifiers: ClinVar variation 4792466 (VCV004792466.1).

ClinVar aggregate classification (germline): Uncertain significance (1 of 4 stars; one submission).

Conditions:
Trichorhinophalangeal dysplasia type I (TRPS1). Also called: TRICHORHINOPHALANGEAL SYNDROME, TYPE I; TRPS I. Identifiers: Orphanet 77258, MedGen C0432233, MONDO:0008596, OMIM 190350.
Trichorhinophalangeal syndrome, type III (TRPS3). Also called: SUGIO-KAJII SYNDROME. Identifiers: Orphanet 77258, MedGen C1860823, OMIM 190351, MONDO:0008597.

gnomAD v4.1: 9 of 1,614,006 alleles (0.00056%); highest among the groups gnomAD compares: Non-Finnish European, 0.00059%; no homozygotes.

Submission:

Labcorp Genetics (formerly Invitae), Labcorp
Classification: Uncertain significance for Trichorhinophalangeal syndrome, type III; Trichorhinophalangeal dysplasia type I. Last evaluated: 2025-10-06. Review status: criteria provided, single submitter. Criteria: Invitae Variant Classification Sherloc (09022015). Collection method: clinical testing. Allele origin: germline.
Comment: This sequence change replaces proline, which is neutral and non-polar, with glutamine, which is neutral and polar, at codon 141 of the TRPS1 protein (p.Pro141Gln). This variant is not present in population databases (gnomAD no frequency). This variant has not been reported in the literature in individuals affected with TRPS1-related conditions. Invitae Evidence Modeling of protein sequence and biophysical properties (such as structural, functional, and spatial information, amino acid conservation, physicochemical variation, residue mobility, and thermodynamic stability) indicates that this missense variant is not expected to disrupt TRPS1 protein function with a negative predictive value of 80%. In summary, the available evidence is currently insufficient to determine the role of this variant in disease. Therefore, it has been classified as a Variant of Uncertain Significance.